The following is an entry in ClinVar:

NM_015512.5(DNAH1):c.856G>A (p.Asp286Asn)

Gene: DNAH1 (dynein axonemal heavy chain 1; plus strand). Cytogenetic location: 3p21.1.
Variant type: single nucleotide variant.
Coding change: c.856G>A on transcript NM_015512.5 (MANE Select); coding-DNA position 856, G replaced by A.
Protein change: p.Asp286Asn; replaces aspartic acid 286 with asparagine.
Molecular consequence: missense variant.
Genome position (GRCh38, 1-based): chr3:52,327,999, G>A. VCF-style: chr3-52327999-G-A. GRCh37 (hg19) VCF-style: chr3-52362015-G-A.
Other names: short protein forms D286N.
Identifiers: ClinVar variation 1483281 (VCV001483281.5), dbSNP rs762043332, ClinGen allele CA353089896.

ClinVar aggregate classification (germline): Uncertain significance (1 of 4 stars; one submission).

Conditions:
Spermatogenic failure 18. Identifiers: MedGen C4539783, MONDO:0054615, OMIM 617576.
Ciliary dyskinesia, primary, 37 (CILD37). Also called: CILIARY DYSKINESIA, PRIMARY, 37, WITH OR WITHOUT SITUS INVERSUS. Identifiers: MedGen C4539798, MONDO:0033204, OMIM 617577.

gnomAD v4.1: 6 of 1,613,878 alleles (0.00037%); highest among the groups gnomAD compares: Admixed American, 0.01%; no homozygotes.

Submission:

Labcorp Genetics (formerly Invitae), Labcorp
Classification: Uncertain significance for Ciliary dyskinesia, primary, 37; Spermatogenic failure 18. Last evaluated: 2022-02-05. Review status: criteria provided, single submitter. Criteria: Invitae Variant Classification Sherloc (09022015). Collection method: clinical testing. Allele origin: germline.
Comment: This sequence change replaces aspartic acid, which is acidic and polar, with asparagine, which is neutral and polar, at codon 286 of the DNAH1 protein (p.Asp286Asn). This variant is present in population databases (no rsID available, gnomAD 0.01%). This variant has not been reported in the literature in individuals affected with DNAH1-related conditions. Algorithms developed to predict the effect of missense changes on protein structure and function are either unavailable or do not agree on the potential impact of this missense change (SIFT: "Deleterious"; PolyPhen-2: "Benign"; Align-GVGD: "Class C0"). In summary, the available evidence is currently insufficient to determine the role of this variant in disease. Therefore, it has been classified as a Variant of Uncertain Significance.